The following is an entry in ClinVar:

NM_001375883.1(GPR161):c.1502del (p.Gly501fs)

Gene: GPR161 (G protein-coupled receptor 161; minus strand). Cytogenetic location: 1q24.2.
Variant type: Deletion.
Coding change: c.1502del on transcript NM_001375883.1 (MANE Select); coding-DNA position 1502, one base deleted (G; older notation c.1502delG).
Protein change: p.Gly501fs; shifts the reading frame from glycine 501.
Molecular consequence: frameshift variant.
Genome position (GRCh38, 1-based): chr1:168,085,619, C deleted on the plus strand (G on the coding strand, the reverse complement: GPR161 is on the minus strand); the first of 5 consecutive C bases (chr1:168,085,619-168,085,623); deleting any one gives the same sequence. VCF-style (leftmost placement, unchanged base first): chr1-168085618-GC-G. GRCh37 (hg19) VCF-style: chr1-168054856-GC-G.
Other names: c.1562del, p.Gly521fs (NM_001267609.1); c.1502del, p.Gly501fs (NM_001267610.2, NM_001349632.1, NM_001349633.1 and 5 more transcripts); c.1553del, p.Gly518fs (NM_001267611.1); c.1106del, p.Gly369fs (NM_001267612.2, NM_001349635.1); c.1268del, p.Gly423fs (NM_001267613.1); c.1160del, p.Gly387fs (NM_001267614.1); short protein forms G369fs, G387fs, G423fs, G501fs, G518fs, G521fs.
Identifiers: ClinVar variation 1691532 (VCV001691532.6), dbSNP rs766670512, ClinGen allele CA1229416.

ClinVar aggregate classification (germline): Uncertain significance. Review status: criteria provided, multiple submitters, no conflicts (2 of 4 stars). 2 submissions from 2 submitters: Uncertain significance (2). Last evaluated 2024-12-15.

Conditions:
Medulloblastoma (MDB). Also called: Medulloblastoma, somatic; MEDULLOBLASTOMA PREDISPOSITION SYNDROME. Identifiers: Orphanet 616, MedGen C0025149, MeSH D008527, MONDO:0007959, OMIM 155255, HP:0002885.

Submissions (2):

Labcorp Genetics (formerly Invitae), Labcorp
Classification: Uncertain significance. Last evaluated: 2024-12-15. Review status: criteria provided, single submitter. Criteria: Invitae Variant Classification Sherloc (09022015). Collection method: clinical testing. Allele origin: germline.
Comment: This sequence change creates a premature translational stop signal (p.Gly521Alafs*9) in the GPR161 gene. While this is not anticipated to result in nonsense mediated decay, it is expected to disrupt the last 29 amino acid(s) of the GPR161 protein. The frequency data for this variant in the population databases is considered unreliable, as metrics indicate poor data quality at this position in the gnomAD database. This variant has not been reported in the literature in individuals affected with GPR161-related conditions. ClinVar contains an entry for this variant (Variation ID: 1691532). Experimental studies and prediction algorithms are not available or were not evaluated, and the functional significance of this variant is currently unknown. In summary, the available evidence is currently insufficient to determine the role of this variant in disease. Therefore, it has been classified as a Variant of Uncertain Significance.

St. Jude Molecular Pathology, St. Jude Children's Research Hospital
Classification: Uncertain significance for Medulloblastoma. Last evaluated: 2022-05-02. Review status: criteria provided, single submitter. Criteria: St. Jude Assertion Criteria 2020. Collection method: clinical testing. Allele origin: germline.
Comment: The GPR161 c.1502del (p.Gly501AlafsTer9) change causes a frameshift and the creation of a premature stop codon. This change is not predicted to result in nonsense mediated decay and removes <10% of the protein (PVS1_moderate). This variant has a maximum subpopulation frequency of 0.0097% in gnomAD v2.1.1. To our knowledge, this variant has not been reported in individuals with medulloblastoma. In summary, this variant meets criteria to be classified as of uncertain significance based on the ACMG/AMP criteria: PVS1_moderate.